The following is an entry in ClinVar:

ClinVar aggregate classification (germline): Pathogenic/Likely pathogenic. Review status: criteria provided, multiple submitters, no conflicts (2 of 4 stars). 2 submissions from 2 submitters: Pathogenic (1); Likely pathogenic (1). Last evaluated 2026-01-11.

Conditions:
Peroxisome biogenesis disorder 4A (Zellweger) (PBD4A). Also called: Zellweger syndrome spectrum (PEX6-related). Identifiers: Orphanet 912, MedGen C3553936, MONDO:0013930, OMIM 614862. Disease mechanism: loss of function.
Peroxisome biogenesis disorder. Identifiers: Orphanet 79189, MedGen C1832200, MONDO:0019234. Disease mechanism: loss of function.

Allele frequency attached by ClinVar (database versions not stated): gnomAD 0.00001.
gnomAD v4.1: 2 of 1,613,824 alleles (0.00012%); highest among the groups gnomAD compares: Admixed American, 0.0017%; no homozygotes.

Submissions (2):

Myriad Genetics, Inc.
Classification: Pathogenic for Peroxisome biogenesis disorder. Last evaluated: 2026-01-11. Review status: criteria provided, single submitter. Criteria: Myriad Autosomal Dominant, Autosomal Recessive and X-Linked Classification Criteria (2023). Collection method: clinical testing. Allele origin: unknown.
Comment: NM_000287.3(PEX6):c.1262G>A(W421*) is expected to be pathogenic in the context of peroxisome biogenesis disorder type 4. This variant is predicted to lead to an abnormal or absent protein product due to the creation of a premature termination codon in PEX6, a gene where loss-of-function variants are known to be pathogenic. Please note: this variant was assessed in the context of healthy population screening.

Laboratory of Medical Genetics, National & Kapodistrian University of Athens
Classification: Likely pathogenic for Peroxisome biogenesis disorder 4A (Zellweger). Last evaluated: 2024-02-01. Review status: criteria provided, single submitter. Criteria: ACMG Guidelines, 2015. Collection method: curation. Allele origin: germline. Affected: no.

NM_000287.4(PEX6):c.1262G>A (p.Trp421Ter)

Gene: PEX6 (peroxisomal biogenesis factor 6; minus strand). Cytogenetic location: 6p21.1.
Variant type: single nucleotide variant.
Coding change: c.1262G>A on transcript NM_000287.4 (MANE Select); coding-DNA position 1262, G replaced by A.
Protein change: p.Trp421Ter; replaces tryptophan 421 with a stop codon.
Molecular consequence: nonsense. On other transcripts: non-coding transcript variant (1).
Genome position (GRCh38, 1-based): chr6:42,969,773, C>T on the plus strand (G>A on the coding strand, the complement: PEX6 is on the minus strand). VCF-style: chr6-42969773-C-T. GRCh37 (hg19) VCF-style: chr6-42937511-C-T.
Other names: c.998G>A, p.Trp333Ter (NM_001316313.2); short protein forms W333*, W421*.
Identifiers: ClinVar variation 3239692 (VCV003239692.2), dbSNP rs1769993888.